The following is an entry in ClinVar:

NM_002617.4(PEX10):c.484C>T (p.Arg162Trp)

Gene: PEX10 (peroxisomal biogenesis factor 10; minus strand). Cytogenetic location: 1p36.32.
Variant type: single nucleotide variant.
Coding change: c.484C>T on transcript NM_002617.4 (MANE Select); coding-DNA position 484, C replaced by T.
Protein change: p.Arg162Trp; replaces arginine 162 with tryptophan.
Molecular consequence: missense variant. On other transcripts: non-coding transcript variant (1).
Genome position (GRCh38, 1-based): chr1:2,408,568, G>A on the plus strand (C>T on the coding strand, the complement: PEX10 is on the minus strand). VCF-style: chr1-2408568-G-A. GRCh37 (hg19) VCF-style: chr1-2340007-G-A.
Other names: c.484C>T, p.Arg162Trp (NM_001374425.1, NM_153818.2); c.52C>T, p.Arg18Trp (NM_001374426.1, NM_001374427.1); c.484C>T (NM_153818.1); short protein forms R162W, R18W.
Identifiers: ClinVar variation 498762 (VCV000498762.9), dbSNP rs570706924, ClinGen allele CA538158.

ClinVar aggregate classification (germline): Uncertain significance. Review status: criteria provided, multiple submitters, no conflicts (2 of 4 stars). 3 submissions from 3 submitters: Uncertain significance (3). Last evaluated 2024-10-14.

Conditions:
Peroxisome biogenesis disorder, complementation group 7 (CG7). Also called: Peroxisome biogenesis disorder, complementation group B. Identifiers: MedGen C1864399.
Inborn genetic diseases. Identifiers: MedGen C0950123, MeSH D030342.

Allele frequency attached by ClinVar (database versions not stated): gnomAD exomes 0.00002; TOPMed 0.00003; 1000 Genomes Project 0.00020; ExAC 0.00005; 1000 Genomes Project 30x 0.00016.
gnomAD v4.1: 28 of 1,612,128 alleles (0.0017%); highest among the groups gnomAD compares: African/African-American, 0.0093%; no homozygotes.

Submissions (3):

Labcorp Genetics (formerly Invitae), Labcorp
Classification: Uncertain significance for Peroxisome biogenesis disorder, complementation group 7. Last evaluated: 2024-10-14. Review status: criteria provided, single submitter. Criteria: Invitae Variant Classification Sherloc (09022015). Collection method: clinical testing. Allele origin: germline.
Comment: This sequence change replaces arginine, which is basic and polar, with tryptophan, which is neutral and slightly polar, at codon 162 of the PEX10 protein (p.Arg162Trp). This variant is present in population databases (rs570706924, gnomAD 0.007%). This variant has not been reported in the literature in individuals affected with PEX10-related conditions. ClinVar contains an entry for this variant (Variation ID: 498762). An algorithm developed to predict the effect of missense changes on protein structure and function (PolyPhen-2) suggests that this variant¬†is likely to be tolerated. In summary, the available evidence is currently insufficient to determine the role of this variant in disease. Therefore, it has been classified as a Variant of Uncertain Significance.

Ambry Genetics
Classification: Uncertain significance for Inborn genetic diseases. Last evaluated: 2022-11-07. Review status: criteria provided, single submitter. Criteria: Ambry Variant Classification Scheme 2023. Collection method: clinical testing. Allele origin: germline.

Eurofins Ntd Llc (ga)
Classification: Uncertain significance. Last evaluated: 2017-11-22. Review status: criteria provided, single submitter. Criteria: EGL Classification Definitions 2015. Collection method: clinical testing. Allele origin: germline. Observed: 2 variant alleles, 2 heterozygotes.